The following is an entry in ClinVar:

NM_015274.3(MAN2B2):c.2104C>G (p.Gln702Glu)

Gene: MAN2B2 (mannosidase alpha class 2B member 2; plus strand). Cytogenetic location: 4p16.1.
Variant type: single nucleotide variant.
Coding change: c.2104C>G on transcript NM_015274.3 (MANE Select); coding-DNA position 2104, C replaced by G.
Protein change: p.Gln702Glu; replaces glutamine 702 with glutamic acid.
Molecular consequence: missense variant.
Genome position (GRCh38, 1-based): chr4:6,609,895, C>G. VCF-style: chr4-6609895-C-G. GRCh37 (hg19) VCF-style: chr4-6611622-C-G.
Other names: c.2104C>G (NM_015274.1); c.1951C>G, p.Gln651Glu (NM_001292038.2); short protein forms Q651E, Q702E.
Identifiers: ClinVar variation 3046271 (VCV003046271.3), dbSNP rs116698077, ClinGen allele CA2841184.

ClinVar aggregate classification (germline): Uncertain significance. Review status: criteria provided, single submitter (1 of 4 stars). 2 submissions from 2 submitters: Uncertain significance (1). 1 of the submissions does not count toward it. Last evaluated 2025-08-26.

Conditions:
MAN2B2-related disorder. Also called: MAN2B2-Related Disorders; MAN2B2-related condition.

Allele frequency attached by ClinVar (database versions not stated): gnomAD exomes 0.00006; ExAC 0.00022; ESP Exome Variant Server 0.00038; TOPMed 0.00072; gnomAD 0.00074; 1000 Genomes Project 0.00120; 1000 Genomes Project 30x 0.00156.
gnomAD v4.1: 213 of 1,614,166 alleles (0.013%); highest among the groups gnomAD compares: African/African-American, 0.26%; no homozygotes.

Submissions (2):

Ambry Genetics
Classification: Uncertain significance. Last evaluated: 2025-08-26. Review status: criteria provided, single submitter. Criteria: Ambry Variant Classification Scheme 2023. Collection method: clinical testing. Allele origin: germline.

PreventionGenetics, part of Exact Sciences
Classification: Likely benign for MAN2B2-related condition. Last evaluated: 2023-01-05. Review status: no assertion criteria provided. Collection method: clinical testing. Allele origin: germline. Not counted in ClinVar's aggregate classification.
Comment: This variant is classified as likely benign based on ACMG/AMP sequence variant interpretation guidelines (Richards et al. 2015 PMID: 25741868, with internal and published modifications).